The following is an entry in ClinVar:

NM_024642.5(GALNT12):c.542A>G (p.Glu181Gly)

Gene: GALNT12 (polypeptide N-acetylgalactosaminyltransferase 12; plus strand). Cytogenetic location: 9q22.33.
Variant type: single nucleotide variant.
Coding change: c.542A>G on transcript NM_024642.5 (MANE Select); coding-DNA position 542, A replaced by G.
Protein change: p.Glu181Gly; replaces glutamic acid 181 with glycine.
Molecular consequence: missense variant.
Genome position (GRCh38, 1-based): chr9:98,826,752, A>G. VCF-style: chr9-98826752-A-G. GRCh37 (hg19) VCF-style: chr9-101589034-A-G.
Other names: short protein forms E181G.
Identifiers: ClinVar variation 825726 (VCV000825726.4), dbSNP rs1588446473, ClinGen allele CA374217225.
Genomic context (GRCh38, chr9:98,826,752, plus strand): 5'-GGATGAGGCGCTCCTCCGAGATTGTCACGGTGACCCCTGTTGCTTTGTTTGCCTCCCTAG[A>G]GCACCTGAAGGAGCGCTTGGCCAATGAGCTTTCGGGACTGCCCAAGGTGCGCCTGATCCG-3'
Protein context (NP_078918.3, residues 171-191): VILVDDYSDR[Glu181Gly]HLKERLANEL

ClinVar aggregate classification (germline): Uncertain significance (1 of 4 stars; one submission).

Allele frequency attached by ClinVar (database versions not stated): TOPMed below 0.00001.

Submission:

Ambry Genetics
Classification: Uncertain significance. Last evaluated: 2018-05-16. Review status: criteria provided, single submitter. Criteria: Ambry Variant Classification Scheme 2023. Collection method: clinical testing. Allele origin: germline.
Comment: The p.E181G variant (also known as c.542A>G) is located in coding exon 3 of the GALNT12 gene. The glutamic acid at codon 181 is replaced by glycine, an amino acid with similar properties. This change occurs in the first base pair of coding exon 3. This amino acid position is not well conserved in available vertebrate species. In addition, this alteration is predicted to be tolerated by in silico analysis. Since supporting evidence is limited at this time, the clinical significance of this alteration remains unclear.